The following is an entry in ClinVar:

ClinVar aggregate classification (germline): Uncertain significance. Review status: criteria provided, multiple submitters, no conflicts (2 of 4 stars). 2 submissions from 2 submitters: Uncertain significance (2). Last evaluated 2025-06-29.

Conditions:
Imerslund-Grasbeck syndrome. Also called: Megaloblastic anemia due to inborn errors of metabolism; ENTEROCYTE COBALAMIN MALABSORPTION; ENTEROCYTE INTRINSIC FACTOR RECEPTOR, DEFECT OF; Imerslund-Gräsbeck syndrome; PERNICIOUS ANEMIA, JUVENILE, DUE TO SELECTIVE INTESTINAL MALABSORPTION OF VITAMIN B12, WITH PROTEINURIA. Identifiers: Orphanet 35858, MedGen C4551825, MONDO:0009853.
Imerslund-Grasbeck syndrome type 1 (IGS1). Also called: Megaloblastic anemia 1, Finnish type; MEGALOBLASTIC ANEMIA, 1; Imerslund-Gräsbeck syndrome 1. Identifiers: MedGen C4016819, MONDO:0100156, OMIM 261100.
Proteinuria, chronic benign. Identifiers: MedGen C5394384, MONDO:0030042, OMIM 618884.

Allele frequency attached by ClinVar (database versions not stated): TOPMed 0.00006; gnomAD 0.00003; gnomAD exomes 0.00001.
gnomAD v4.1: 17 of 1,613,812 alleles (0.0011%); highest among the groups gnomAD compares: Admixed American, 0.01%; no homozygotes.

Submissions (2):

Labcorp Genetics (formerly Invitae), Labcorp
Classification: Uncertain significance for Imerslund-Grasbeck syndrome. Last evaluated: 2025-06-29. Review status: criteria provided, single submitter. Criteria: Invitae Variant Classification Sherloc (09022015). Collection method: clinical testing. Allele origin: germline.
Comment: This sequence change replaces tyrosine, which is neutral and polar, with cysteine, which is neutral and slightly polar, at codon 2468 of the CUBN protein (p.Tyr2468Cys). This variant is present in population databases (no rsID available, gnomAD 0.01%). This variant has not been reported in the literature in individuals affected with CUBN-related conditions. ClinVar contains an entry for this variant (Variation ID: 656522). Invitae Evidence Modeling of protein sequence and biophysical properties (such as structural, functional, and spatial information, amino acid conservation, physicochemical variation, residue mobility, and thermodynamic stability) indicates that this missense variant is expected to disrupt CUBN protein function with a positive predictive value of 80%. In summary, the available evidence is currently insufficient to determine the role of this variant in disease. Therefore, it has been classified as a Variant of Uncertain Significance.

Fulgent Genetics
Classification: Uncertain significance for Imerslund-Grasbeck syndrome type 1; Proteinuria, chronic benign. Last evaluated: 2024-05-01. Review status: criteria provided, single submitter. Criteria: ACMG Guidelines, 2015. Collection method: clinical testing. Allele origin: germline.

NM_001081.4(CUBN):c.7403A>G (p.Tyr2468Cys)

Gene: CUBN (cubilin; minus strand). Cytogenetic location: 10p13.
Variant type: single nucleotide variant.
Coding change: c.7403A>G on transcript NM_001081.4 (MANE Select); coding-DNA position 7403, A replaced by G.
Protein change: p.Tyr2468Cys; replaces tyrosine 2468 with cysteine.
Molecular consequence: missense variant.
Genome position (GRCh38, 1-based): chr10:16,913,941, T>C on the plus strand (A>G on the coding strand, the complement: CUBN is on the minus strand). VCF-style: chr10-16913941-T-C. GRCh37 (hg19) VCF-style: chr10-16955940-T-C.
Other names: short protein forms Y2468C.
Identifiers: ClinVar variation 656522 (VCV000656522.11), dbSNP rs757744293, ClinGen allele CA203568387.
Genomic context (GRCh38, chr10:16,913,941, plus strand): 5'-CTTCCCTCCGGGGCAGTGATTCTCCACTCGCAGATCCGGCCATGAGGATTTGGGTTCGGG[T>C]AGTTGGGAGAAGTAAATGTTCCAATAGAGCCCTGAAGATCCCCACCACACTCTGACGTGG-3'
Protein context (NP_001072.2, residues 2458-2478): GSIGTFTSPN[Tyr2468Cys]PNPNPHGRIC